The following is an entry in ClinVar:

NM_002474.3(MYH11):c.4691G>A (p.Arg1564Gln)

Genes: NDE1 (nudE neurodevelopment protein 1; plus strand), MYH11 (myosin heavy chain 11; minus strand). Cytogenetic location: 16p13.11.
Variant type: single nucleotide variant.
Coding change: c.4691G>A on transcript NM_002474.3 (MANE Select); coding-DNA position 4691, G replaced by A.
Protein change: p.Arg1564Gln; replaces arginine 1564 with glutamine.
Molecular consequence: missense variant. On other transcripts: intron variant (2).
Genome position (GRCh38, 1-based): chr16:15,720,939, C>T on the plus strand (G>A on the coding strand, the complement: MYH11 is on the minus strand). VCF-style: chr16-15720939-C-T. GRCh37 (hg19) VCF-style: chr16-15814796-C-T.
Other names: c.4712G>A, p.Arg1571Gln (NM_001040113.2, NM_001040114.2); c.4691G>A, p.Arg1564Gln (NM_022844.3); c.948-3252C>T (NM_001143979.2, NM_017668.3); short protein forms R1564Q, R1571Q.
Identifiers: ClinVar variation 3894409 (VCV003894409.1).

ClinVar aggregate classification (germline): Uncertain significance (1 of 4 stars; one submission).

Conditions:
Familial thoracic aortic aneurysm and aortic dissection (TAAD). Also called: Thoracic aortic aneurysms and dissections. Identifiers: Orphanet 91387, MedGen C4707243, MONDO:0019625.

gnomAD v4.1: 1 of 1,614,040 alleles (0.000062%); highest among the groups gnomAD compares: Non-Finnish European, 0.000085%; no homozygotes.

Submission:

Color Diagnostics, LLC DBA Color Health
Classification: Uncertain significance for Familial thoracic aortic aneurysm and aortic dissection. Last evaluated: 2024-10-29. Review status: criteria provided, single submitter. Criteria: ACMG Guidelines, 2015. Collection method: clinical testing. Allele origin: germline.
Comment: This missense variant replaces arginine with glutamine at codon 1571 of the MYH11 protein. Computational prediction suggests that this variant may have deleterious impact on protein structure and function (internally defined REVEL score threshold >= 0.7, PMID: 27666373). To our knowledge, functional studies have not been reported for this variant. This variant has not been reported in individuals affected with MYH11-related disorders in the literature. This variant has not been identified in the general population by the Genome Aggregation Database (gnomAD). The available evidence is insufficient to determine the role of this variant in disease conclusively. Therefore, this variant is classified as a Variant of Uncertain Significance.